The following is an entry in ClinVar:

ClinVar aggregate classification (germline): Uncertain significance (1 of 4 stars; one submission).

Submission:

Labcorp Genetics (formerly Invitae), Labcorp
Classification: Uncertain significance. Last evaluated: 2022-10-13. Review status: criteria provided, single submitter. Criteria: Invitae Variant Classification Sherloc (09022015). Collection method: clinical testing. Allele origin: germline.
Comment: In summary, the available evidence is currently insufficient to determine the role of this variant in disease. Therefore, it has been classified as a Variant of Uncertain Significance. Advanced modeling of protein sequence and biophysical properties (such as structural, functional, and spatial information, amino acid conservation, physicochemical variation, residue mobility, and thermodynamic stability) performed at Invitae indicates that this missense variant is expected to disrupt ABCC6 protein function. This missense change has been observed in individual(s) with ABCC6-related conditions (Invitae). This variant is not present in population databases (gnomAD no frequency). This sequence change replaces histidine, which is basic and polar, with proline, which is neutral and non-polar, at codon 1126 of the ABCC6 protein (p.His1126Pro).

NM_001171.6(ABCC6):c.3377A>C (p.His1126Pro)

Gene: ABCC6 (ATP binding cassette subfamily C member 6; minus strand). Cytogenetic location: 16p13.11.
Variant type: single nucleotide variant.
Coding change: c.3377A>C on transcript NM_001171.6 (MANE Select); coding-DNA position 3377, A replaced by C.
Protein change: p.His1126Pro; replaces histidine 1126 with proline.
Molecular consequence: missense variant.
Genome position (GRCh38, 1-based): chr16:16,163,122, T>G on the plus strand (A>C on the coding strand, the complement: ABCC6 is on the minus strand). VCF-style: chr16-16163122-T-G. GRCh37 (hg19) VCF-style: chr16-16256979-T-G.
Other names: c.3035A>C, p.His1012Pro (NM_001351800.1); short protein forms H1012P, H1126P.
Identifiers: ClinVar variation 2095256 (VCV002095256.4), dbSNP rs2510963267, ClinGen allele CA394881563.